The following is an entry in ClinVar:

NM_000059.4(BRCA2):c.2527G>C (p.Ala843Pro)

Gene: BRCA2 (BRCA2 DNA repair associated; plus strand). Cytogenetic location: 13q13.1.
Variant type: single nucleotide variant.
Coding change: c.2527G>C on transcript NM_000059.4 (MANE Select); coding-DNA position 2527, G replaced by C.
Protein change: p.Ala843Pro; replaces alanine 843 with proline.
Molecular consequence: missense variant.
Genome position (GRCh38, 1-based): chr13:32,336,882, G>C. VCF-style: chr13-32336882-G-C. GRCh37 (hg19) VCF-style: chr13-32911019-G-C.
Other names: c.2527G>C, p.Ala843Pro (NM_001406720.1, NM_001406719.1); short protein forms A843P.
Identifiers: ClinVar variation 1792608 (VCV001792608.10), dbSNP rs1555282730, ClinGen allele CA387772478.

ClinVar aggregate classification (germline): Conflicting classifications of pathogenicity. Review status: criteria provided, conflicting classifications (1 of 4 stars). 3 submissions from 3 submitters: Uncertain significance (2); Likely benign (1). Last evaluated 2025-12-21.

Conditions:
Hereditary cancer-predisposing syndrome. Also called: Tumor predisposition; Hereditary Cancer Syndrome; Hereditary neoplastic syndrome; Neoplastic Syndromes, Hereditary. Identifiers: Orphanet 140162, MedGen C0027672, MeSH D009386, MONDO:0015356.
Hereditary breast ovarian cancer syndrome. Also called: Hereditary breast and ovarian cancer; Hereditary breast and ovarian cancer syndrome (HBOC); BRCA1- and BRCA2-Associated Hereditary Breast and Ovarian Cancer; Hereditary breast and ovarian cancer syndrome; Breast and ovarian cancer; Hereditary breast and/or ovarian cancer syndrome. Identifiers: Orphanet 145, MedGen C0677776, MeSH D061325, MONDO:0003582. Disease mechanism: loss of function.

Submissions (3):

Ambry Genetics
Classification: Uncertain significance for Hereditary cancer-predisposing syndrome. Last evaluated: 2025-12-21. Review status: criteria provided, single submitter. Criteria: Ambry Variant Classification Scheme 2023. Collection method: clinical testing. Allele origin: germline.
Comment: The p.A843P variant (also known as c.2527G>C), located in coding exon 10 of the BRCA2 gene, results from a G to C substitution at nucleotide position 2527. The alanine at codon 843 is replaced by proline, an amino acid with highly similar properties. This amino acid position is not well conserved in available vertebrate species. In addition, this alteration is predicted to be tolerated by in silico analysis. Since supporting evidence is limited at this time, the clinical significance of this alteration remains unclear.

Labcorp Genetics (formerly Invitae), Labcorp
Classification: Uncertain significance for Hereditary breast ovarian cancer syndrome. Last evaluated: 2023-09-25. Review status: criteria provided, single submitter. Criteria: Invitae Variant Classification Sherloc (09022015). Collection method: clinical testing. Allele origin: germline.
Comment: This sequence change replaces alanine, which is neutral and non-polar, with proline, which is neutral and non-polar, at codon 843 of the BRCA2 protein (p.Ala843Pro). This variant is not present in population databases (gnomAD no frequency). This variant has not been reported in the literature in individuals affected with BRCA2-related conditions. ClinVar contains an entry for this variant (Variation ID: 1792608). Advanced modeling of protein sequence and biophysical properties (such as structural, functional, and spatial information, amino acid conservation, physicochemical variation, residue mobility, and thermodynamic stability) performed at Invitae indicates that this missense variant is not expected to disrupt BRCA2 protein function. In summary, the available evidence is currently insufficient to determine the role of this variant in disease. Therefore, it has been classified as a Variant of Uncertain Significance.

University of Washington Department of Laboratory Medicine, University of Washington
Classification: Likely benign for Hereditary cancer-predisposing syndrome. Last evaluated: 2023-03-23. Review status: criteria provided, single submitter. Criteria: Dines et al. (Genet Med. 2020). Collection method: curation. Allele origin: germline.
Comment: Missense variant in a coldspot region where missense variants are very unlikely to be pathogenic (PMID:31911673).

BRCA2 exon 11 coldspot. Reclassification based on statistical prior probability.